The following is an entry in ClinVar:

NM_025233.7(COASY):c.1195G>C (p.Gly399Arg)

Gene: COASY (Coenzyme A synthase; plus strand). Cytogenetic location: 17q21.2.
Variant type: single nucleotide variant.
Coding change: c.1195G>C on transcript NM_025233.7 (MANE Select); coding-DNA position 1195, G replaced by C.
Protein change: p.Gly399Arg; replaces glycine 399 with arginine.
Molecular consequence: missense variant.
Genome position (GRCh38, 1-based): chr17:42,564,856, G>C. VCF-style: chr17-42564856-G-C. GRCh37 (hg19) VCF-style: chr17-40716874-G-C.
Other names: c.1195G>C, p.Gly399Arg (NM_001042529.3); c.1282G>C, p.Gly428Arg (NM_001042532.4); c.1195G>C (NM_025233.6); short protein forms G428R, G399R.
Identifiers: ClinVar variation 1045449 (VCV001045449.9), dbSNP rs149996795, ClinGen allele CA8578219.

ClinVar aggregate classification (germline): Uncertain significance. Review status: criteria provided, multiple submitters, no conflicts (2 of 4 stars). 3 submissions from 3 submitters: Uncertain significance (2). 1 of the submissions does not count toward it. Last evaluated 2024-10-01.

Conditions:
COASY-related disorder. Also called: COASY-related condition.
Neurodegeneration with brain iron accumulation 6 (NBIA6). Also called: COASY protein-associated neurodegeneration. Identifiers: Orphanet 397725, MedGen C4517377, MONDO:0014290, OMIM 615643.

Allele frequency attached by ClinVar (database versions not stated): gnomAD exomes 0.00015; ExAC 0.00019; 1000 Genomes Project 30x 0.00031; 1000 Genomes Project 0.00040; gnomAD 0.00040 and 0.00042; TOPMed 0.00051; ESP Exome Variant Server 0.00092.
gnomAD v4.1: 117 of 1,591,210 alleles (0.0074%); highest among the groups gnomAD compares: African/African-American, 0.15%; no homozygotes.

Submissions (3):

GeneDx
Classification: Uncertain significance. Last evaluated: 2024-10-01. Review status: criteria provided, single submitter. Criteria: GeneDx Variant Classification Process June 2021. Collection method: clinical testing. Allele origin: germline. Affected: yes.
Comment: In silico analysis supports that this missense variant has a deleterious effect on protein structure/function; Heterozygous in a patient with developmental delay and status epilepticus who also harbored a second COASY variant in trans (PMID: 36877387); This variant is associated with the following publications: (PMID: 36877387)

Labcorp Genetics (formerly Invitae), Labcorp
Classification: Uncertain significance for Neurodegeneration with brain iron accumulation 6. Last evaluated: 2022-04-08. Review status: criteria provided, single submitter. Criteria: Invitae Variant Classification Sherloc (09022015). Collection method: clinical testing. Allele origin: germline.
Comment: This sequence change replaces glycine, which is neutral and non-polar, with arginine, which is basic and polar, at codon 399 of the COASY protein (p.Gly399Arg). This variant is present in population databases (rs149996795, gnomAD 0.2%). This variant has not been reported in the literature in individuals affected with COASY-related conditions. ClinVar contains an entry for this variant (Variation ID: 1045449). Algorithms developed to predict the effect of missense changes on protein structure and function are either unavailable or do not agree on the potential impact of this missense change (SIFT: "Deleterious"; PolyPhen-2: "Probably Damaging"; Align-GVGD: "Class C0"). In summary, the available evidence is currently insufficient to determine the role of this variant in disease. Therefore, it has been classified as a Variant of Uncertain Significance.

PreventionGenetics, part of Exact Sciences
Classification: Likely benign for COASY-related condition. Last evaluated: 2022-04-11. Review status: no assertion criteria provided. Collection method: clinical testing. Allele origin: germline. Not counted in ClinVar's aggregate classification.
Comment: This variant is classified as likely benign based on ACMG/AMP sequence variant interpretation guidelines (Richards et al. 2015 PMID: 25741868, with internal and published modifications).